The following is an entry in ClinVar:

NM_000291.4(PGK1):c.832G>A (p.Val278Met)

Gene: PGK1 (phosphoglycerate kinase 1; plus strand). Cytogenetic location: Xq21.1.
Variant type: single nucleotide variant.
Coding change: c.832G>A on transcript NM_000291.4 (MANE Select); coding-DNA position 832, G replaced by A.
Protein change: p.Val278Met; replaces valine 278 with methionine.
Molecular consequence: missense variant.
Genome position (GRCh38, 1-based): chrX:78,123,270, G>A. VCF-style: chrX-78123270-G-A. GRCh37 (hg19) VCF-style: chrX-77378767-G-A.
Other names: short protein forms V278M.
Identifiers: ClinVar variation 797393 (VCV000797393.11), dbSNP rs199571497, ClinGen allele CA10459775.

ClinVar aggregate classification (germline): Likely benign. Review status: criteria provided, multiple submitters, no conflicts (2 of 4 stars). 2 submissions from 2 submitters: Likely benign (2). Last evaluated 2026-03-01.

Allele frequency attached by ClinVar (database versions not stated): ExAC 0.00002; gnomAD exomes 0.00003 and 0.00012; TOPMed 0.00006; gnomAD 0.00007; ESP Exome Variant Server 0.00009.
gnomAD v4.1: 140 of 1,199,976 alleles (0.012%); highest among the groups gnomAD compares: Non-Finnish European, 0.015%; no homozygotes.

Submissions (2):

CeGaT Center for Human Genetics Tuebingen
Classification: Likely benign. Last evaluated: 2026-03-01. Review status: criteria provided, single submitter. Criteria: CeGaT Center For Human Genetics Tuebingen Variant Classification Criteria Version 2. Collection method: clinical testing. Allele origin: germline. Affected: yes. Observed: 1 variant allele.
Comment: PGK1: BS2

Labcorp Genetics (formerly Invitae), Labcorp
Classification: Likely benign. Last evaluated: 2025-08-10. Review status: criteria provided, single submitter. Criteria: Invitae Variant Classification Sherloc (09022015). Collection method: clinical testing. Allele origin: germline.